The following is an entry in ClinVar:

ClinVar aggregate classification (germline): Uncertain significance (0 of 4 stars; one submission).

Conditions:
AMER1-related disorder. Also called: AMER1-related condition.

Submission:

PreventionGenetics, part of Exact Sciences
Classification: Uncertain significance for AMER1-related condition. Last evaluated: 2024-08-15. Review status: no assertion criteria provided. Collection method: clinical testing. Allele origin: germline.
Comment: The AMER1 c.2894C>T variant is predicted to result in the amino acid substitution p.Pro965Leu. To our knowledge, this variant has not been reported in the literature or in a large population database, indicating this variant is rare. At this time, the clinical significance of this variant is uncertain due to the absence of conclusive functional and genetic evidence.

NM_152424.4(AMER1):c.2894C>T (p.Pro965Leu)

Gene: AMER1 (APC membrane recruitment protein 1; minus strand). Cytogenetic location: Xq11.2.
Variant type: single nucleotide variant.
Coding change: c.2894C>T on transcript NM_152424.4 (MANE Select); coding-DNA position 2894, C replaced by T.
Protein change: p.Pro965Leu; replaces proline 965 with leucine.
Molecular consequence: missense variant.
Genome position (GRCh38, 1-based): chrX:64,190,393, G>A on the plus strand (C>T on the coding strand, the complement: AMER1 is on the minus strand). VCF-style: chrX-64190393-G-A. GRCh37 (hg19) VCF-style: chrX-63410273-G-A.
Other names: short protein forms P965L.
Identifiers: ClinVar variation 3344306 (VCV003344306.1).
Genomic context (GRCh38, chrX:64,190,393, plus strand): 5'-CTGGAAGGCCTGTCCAACTGGTTGGGGCTTATCCAGGCAGGACCTGGCCCCACTGGAAGA[G>A]GACAGGGAGCCCAAGCAGGCCAATCATAGGCCCCTGGGGGTTCAGTATAGAGGGAAAGGG-3'
Protein context (NP_689637.3, residues 955-975): AYDWPAWAPC[Pro965Leu]LPVGPGPAWI